The following is an entry in ClinVar:

NM_198578.4(LRRK2):c.6230T>C (p.Leu2077Ser)

Gene: LRRK2 (leucine rich repeat kinase 2; plus strand). Cytogenetic location: 12q12.
Variant type: single nucleotide variant.
Coding change: c.6230T>C on transcript NM_198578.4 (MANE Select); coding-DNA position 6230, T replaced by C.
Protein change: p.Leu2077Ser; replaces leucine 2077 with serine.
Molecular consequence: missense variant.
Genome position (GRCh38, 1-based): chr12:40,346,873, T>C. VCF-style: chr12-40346873-T-C. GRCh37 (hg19) VCF-style: chr12-40740675-T-C.
Other names: short protein forms L2077S.
Identifiers: ClinVar variation 4745160 (VCV004745160.1).

ClinVar aggregate classification (germline): Uncertain significance (1 of 4 stars; one submission).

Conditions:
Autosomal dominant Parkinson disease 8. Also called: LRRK2-Related Parkinson Disease; Parkinson disease 8; Parkinson disease 8, susceptibility to. Identifiers: Orphanet 411602, MedGen C1846862, MONDO:0011764, OMIM 607060.

Submission:

Labcorp Genetics (formerly Invitae), Labcorp
Classification: Uncertain significance for Autosomal dominant Parkinson disease 8. Last evaluated: 2025-03-11. Review status: criteria provided, single submitter. Criteria: Invitae Variant Classification Sherloc (09022015). Collection method: clinical testing. Allele origin: germline.
Comment: This sequence change replaces leucine, which is neutral and non-polar, with serine, which is neutral and polar, at codon 2077 of the LRRK2 protein (p.Leu2077Ser). This variant is not present in population databases (gnomAD no frequency). This variant has not been reported in the literature in individuals affected with LRRK2-related conditions. Invitae Evidence Modeling of protein sequence and biophysical properties (such as structural, functional, and spatial information, amino acid conservation, physicochemical variation, residue mobility, and thermodynamic stability) indicates that this missense variant is not expected to disrupt LRRK2 protein function with a negative predictive value of 80%. In summary, the available evidence is currently insufficient to determine the role of this variant in disease. Therefore, it has been classified as a Variant of Uncertain Significance.